The following is an entry in ClinVar:

ClinVar aggregate classification (germline): Conflicting classifications of pathogenicity. Review status: criteria provided, conflicting classifications (1 of 4 stars). 7 submissions from 7 submitters: Pathogenic (1); Likely pathogenic (5); Uncertain significance (1). Last evaluated 2026-05-18.

Conditions:
Carnitine deficiency. Identifiers: MedGen C1142132.
Renal carnitine transport defect (CDSP). Also called: Carnitine Deficiency, Systemic; Primary carnitine deficiency; CARNITINE DEFICIENCY, SYSTEMIC, DUE TO DEFECT IN RENAL REABSORPTION OF CARNITINE; CARNITINE TRANSPORTER, PLASMA-MEMBRANE, DEFICIENCY OF; CARNITINE UPTAKE DEFECT; Systemic primary carnitine deficiency disease. Identifiers: Orphanet 158, MedGen C0342788, MONDO:0008919, OMIM 212140.

Allele frequency attached by ClinVar (database versions not stated): gnomAD exomes below 0.00001; TOPMed below 0.00001; gnomAD 0.00001.
gnomAD v4.1: 9 of 1,613,926 alleles (0.00056%); highest among the groups gnomAD compares: African/African-American, 0.0013%; no homozygotes.

Submissions (7):

Myriad Genetics, Inc.
Classification: Uncertain significance for Renal carnitine transport defect. Last evaluated: 2026-05-18. Review status: criteria provided, single submitter. Criteria: Myriad Autosomal Dominant, Autosomal Recessive and X-Linked Classification Criteria (2023). Collection method: clinical testing. Allele origin: unknown.
Comment: NM_003060.3(SLC22A5):c.1364C>G(P455R) is a missense variant classified as a variant of uncertain significance in the context of primary carnitine deficiency. P455R has been observed in a case with relevant disease (PMID: 37603033). Relevant functional assessments of this variant are available in the literature (PMID: 28841266). P455R has been observed in referenced population frequency databases. In summary, there is insufficient evidence to classify NM_003060.3(SLC22A5):c.1364C>G(P455R) as pathogenic or benign. Please note: this variant was assessed in the context of healthy population screening.

Natera, Inc.
Classification: Likely pathogenic for Carnitine deficiency. Last evaluated: 2025-09-11. Review status: criteria provided, single submitter. Criteria: Natera Variant Classification Schema (03/2026). Collection method: clinical testing. Allele origin: germline.
Comment: The c.1364C>G variant in SLC22A5 is a missense variant predicted to cause substitution of proline to arginine at amino acid 455. This variant is rare in the general population with a frequency below the threshold expected for the associated phenotype(s). This variant has been observed in one or more individuals affected with the associated recessive disease, as either homozygous or compound heterozygous with a second variant (PMID: 37603033). Functional studies show that this variant may disrupt protein function (PMID: 28841266). Computational prediction algorithms indicate this variant is likely to affect gene or protein function. Given the available evidence, this variant is classified as Likely Pathogenic.

Labcorp Genetics (formerly Invitae), Labcorp
Classification: Likely pathogenic for Renal carnitine transport defect. Last evaluated: 2025-09-03. Review status: criteria provided, single submitter. Criteria: Invitae Variant Classification Sherloc (09022015). Collection method: clinical testing. Allele origin: germline.
Comment: This sequence change replaces proline, which is neutral and non-polar, with arginine, which is basic and polar, at codon 455 of the SLC22A5 protein (p.Pro455Arg). This variant is present in population databases (no rsID available, gnomAD 0.002%). This missense change has been observed in individual(s) with carnitine deficiency (PMID: 20574985; internal data). ClinVar contains an entry for this variant (Variation ID: 655449). Invitae Evidence Modeling of protein sequence and biophysical properties (such as structural, functional, and spatial information, amino acid conservation, physicochemical variation, residue mobility, and thermodynamic stability) indicates that this missense variant is expected to disrupt SLC22A5 protein function with a positive predictive value of 95%. Experimental studies have shown that this missense change affects SLC22A5 function (PMID: 28841266). In summary, the currently available evidence indicates that the variant is pathogenic, but additional data are needed to prove that conclusively. Therefore, this variant has been classified as Likely Pathogenic.

GeneDx
Classification: Pathogenic. Last evaluated: 2025-07-21. Review status: criteria provided, single submitter. Criteria: GeneDx Variant Classification Process June 2021. Collection method: clinical testing. Allele origin: germline. Affected: yes.
Comment: Reported previously in an individual with an abnormal newborn screening result; a second variant in the SLC22A5 gene was not identified (PMID: 20574985); Published functional studies in CHO cells revealed that P455R exhibited 18% activity compared to wild-type (PMID: 28841266); In silico analysis supports that this missense variant has a deleterious effect on protein structure/function; Not observed at significant frequency in large population cohorts (gnomAD); This variant is associated with the following publications: (PMID: 28841266, 38166572, 20574985)

Baylor Genetics
Classification: Likely pathogenic for Renal carnitine transport defect. Last evaluated: 2024-02-20. Review status: criteria provided, single submitter. Criteria: ACMG Guidelines, 2015. Collection method: clinical testing. Allele origin: unknown.

Women's Health and Genetics/Laboratory Corporation of America, LabCorp
Classification: Likely pathogenic for Renal carnitine transport defect. Last evaluated: 2023-07-28. Review status: criteria provided, single submitter. Criteria: LabCorp Variant Classification Summary - May 2015. Collection method: clinical testing. Allele origin: germline.
Comment: Variant summary: SLC22A5 c.1364C>G (p.Pro455Arg) results in a non-conservative amino acid change located in the Major facilitator superfamily domain (IPR020846) of the encoded protein sequence. Five of five in-silico tools predict a damaging effect of the variant on protein function. The variant allele was found at a frequency of 4e-06 in 251470 control chromosomes (gnomAD). c.1364C>G has been reported in the literature in an infant with abnormal NBS result (example: Li_2010). At least one publication reports experimental evidence evaluating an impact on protein function. The most pronounced variant effect results in <10% of normal activity (example: Frigeni_2017). Three submitters have cited clinical-significance assessments for this variant to ClinVar after 2014 and classified the variant as VUS (n=1) and likely pathogenic (n=2). Based on the evidence outlined above, the variant was classified as likely pathogenic.

Genome-Nilou Lab
Classification: Likely pathogenic for Renal carnitine transport defect. Last evaluated: 2021-07-15. Review status: criteria provided, single submitter. Criteria: ACMG Guidelines, 2015. Collection method: clinical testing. Allele origin: germline. Affected: no.

Literature cited by the submitters: PubMed 28841266 (cited by 4 submitters); PubMed 37603033 (cited by Myriad Genetics, Inc. and Natera, Inc.); PubMed 20574985 (cited by Labcorp Genetics (formerly Invitae), Labcorp and Women's Health and Genetics/Laboratory Corporation of America, LabCorp).

NM_003060.4(SLC22A5):c.1364C>G (p.Pro455Arg)

Gene: SLC22A5 (solute carrier family 22 member 5; plus strand). Cytogenetic location: 5q31.1.
Variant type: single nucleotide variant.
Coding change: c.1364C>G on transcript NM_003060.4 (MANE Select); coding-DNA position 1364, C replaced by G.
Protein change: p.Pro455Arg; replaces proline 455 with arginine.
Molecular consequence: missense variant.
Genome position (GRCh38, 1-based): chr5:132,392,529, C>G. VCF-style: chr5-132392529-C-G. GRCh37 (hg19) VCF-style: chr5-131728221-C-G.
Other names: c.1436C>G, p.Pro479Arg (NM_001308122.2); short protein forms P455R, P479R.
Identifiers: ClinVar variation 655449 (VCV000655449.17), dbSNP rs1408166345, ClinGen allele CA360808902.